The following is an entry in ClinVar:

NM_001080432.3(FTO):c.278C>G (p.Pro93Arg)

Gene: FTO (FTO alpha-ketoglutarate dependent dioxygenase; plus strand). Cytogenetic location: 16q12.2.
Variant type: single nucleotide variant.
Coding change: c.278C>G on transcript NM_001080432.3 (MANE Select); coding-DNA position 278, C replaced by G.
Protein change: p.Pro93Arg; replaces proline 93 with arginine.
Molecular consequence: missense variant.
Genome position (GRCh38, 1-based): chr16:53,826,018, C>G. VCF-style: chr16-53826018-C-G. GRCh37 (hg19) VCF-style: chr16-53859930-C-G.
Other names: c.278C>G, p.Pro93Arg (NM_001363891.2, NM_001363894.2, NM_001363896.2 and 6 more transcripts); c.200C>G, p.Pro67Arg (NM_001363897.2); c.-236C>G (NM_001363905.2); short protein forms P67R, P93R.
Identifiers: ClinVar variation 888056 (VCV000888056.9), dbSNP rs151263395, ClinGen allele CA8058348.
Genomic context (GRCh38, chr16:53,826,018, plus strand): 5'-ACAAGCATGGCTGCTTATTTCGGGACCTGGTTAGGATCCAAGGCAAAGATCTGCTCACTC[C>G]GGTATCTCGCATCCTCATTGGTAATCCAGGCTGCACCTACAAGTACCTGAACACCAGGCT-3'
Protein context (NP_001073901.1, residues 83-103): VRIQGKDLLT[Pro93Arg]VSRILIGNPG

ClinVar aggregate classification (germline): Uncertain significance. Review status: criteria provided, multiple submitters, no conflicts (2 of 4 stars). 2 submissions from 2 submitters: Uncertain significance (2). Last evaluated 2025-08-12.

Conditions:
Lethal polymalformative syndrome, Boissel type. Also called: GROWTH RETARDATION, DEVELOPMENTAL DELAY, AND FACIAL DYSMORPHISM. Identifiers: Orphanet 210144, MedGen C2752001, MONDO:0013050, OMIM 612938.

Allele frequency attached by ClinVar (database versions not stated): ESP Exome Variant Server 0.00015; TOPMed 0.00017.
gnomAD v4.1: 368 of 1,614,040 alleles (0.023%); highest among the groups gnomAD compares: Non-Finnish European, 0.03%; no homozygotes.

Submissions (2):

Labcorp Genetics (formerly Invitae), Labcorp
Classification: Uncertain significance. Last evaluated: 2025-08-12. Review status: criteria provided, single submitter. Criteria: Invitae Variant Classification Sherloc (09022015). Collection method: clinical testing. Allele origin: germline.
Comment: This sequence change replaces proline, which is neutral and non-polar, with arginine, which is basic and polar, at codon 93 of the FTO protein (p.Pro93Arg). This variant is present in population databases (rs151263395, gnomAD 0.02%). This variant has not been reported in the literature in individuals affected with FTO-related conditions. ClinVar contains an entry for this variant (Variation ID: 888056). Invitae Evidence Modeling of protein sequence and biophysical properties (such as structural, functional, and spatial information, amino acid conservation, physicochemical variation, residue mobility, and thermodynamic stability) indicates that this missense variant is not expected to disrupt FTO protein function with a negative predictive value of 80%. In summary, the available evidence is currently insufficient to determine the role of this variant in disease. Therefore, it has been classified as a Variant of Uncertain Significance.

Illumina Laboratory Services, Illumina
Classification: Uncertain significance for Lethal polymalformative syndrome, Boissel type. Last evaluated: 2017-04-27. Review status: criteria provided, single submitter. Criteria: ICSL Variant Classification Criteria 13 December 2019. Collection method: clinical testing. Allele origin: germline.